The following is an entry in ClinVar:

ClinVar aggregate classification (germline): Uncertain significance (1 of 4 stars; one submission).

Conditions:
Hereditary cancer-predisposing syndrome. Also called: Neoplastic Syndromes, Hereditary; Tumor predisposition; Hereditary neoplastic syndrome; Hereditary Cancer Syndrome. Identifiers: Orphanet 140162, MedGen C0027672, MeSH D009386, MONDO:0015356.

Submission:

Ambry Genetics
Classification: Uncertain significance for Hereditary cancer-predisposing syndrome. Last evaluated: 2025-03-19. Review status: criteria provided, single submitter. Criteria: Ambry Variant Classification Scheme 2023. Collection method: clinical testing. Allele origin: germline.
Comment: The p.P595T variant (also known as c.1783C>A), located in coding exon 9 of the MEN1 gene, results from a C to A substitution at nucleotide position 1783. The proline at codon 595 is replaced by threonine, an amino acid with highly similar properties. This amino acid position is conserved. In addition, the in silico prediction for this alteration is inconclusive. Based on the available evidence, the clinical significance of this variant remains unclear.

NM_001370259.2(MEN1):c.1783C>A (p.Pro595Thr)

Gene: MEN1 (menin 1; minus strand). Cytogenetic location: 11q13.1.
Variant type: single nucleotide variant.
Coding change: c.1783C>A on transcript NM_001370259.2 (MANE Select); coding-DNA position 1783, C replaced by A.
Protein change: p.Pro595Thr; replaces proline 595 with threonine.
Molecular consequence: missense variant. On other transcripts: non-coding transcript variant (4).
Genome position (GRCh38, 1-based): chr11:64,804,384, G>T on the plus strand (C>A on the coding strand, the complement: MEN1 is on the minus strand). VCF-style: chr11-64804384-G-T. GRCh37 (hg19) VCF-style: chr11-64571856-G-T.
Other names: c.1798C>A, p.Pro600Thr (NM_130802.3, NM_130803.3, NM_130804.3 and 4 more transcripts); c.1783C>A, p.Pro595Thr (NM_001407146.1, NM_001407147.1, NM_130799.3 and 2 more transcripts); c.1678C>A, p.Pro560Thr (NM_001407148.1, NM_001407149.1, NM_001370262.2 and 1 more transcripts); c.1924C>A, p.Pro642Thr (NM_001407150.1); c.1804C>A, p.Pro602Thr (NM_001407151.1); c.1618C>A, p.Pro540Thr (NM_001407152.1); c.1909C>A, p.Pro637Thr (NM_001407143.1, NM_001407144.1, NM_001370251.2 and 1 more transcripts); short protein forms P540T, P560T, P600T, P602T, P595T, P637T, P642T.
Identifiers: ClinVar variation 4053787 (VCV004053787.1).
Genomic context (GRCh38, chr11:64,804,384, plus strand): 5'-CCCCAGTAGTTCAGAGGCCTTTGCGCTGCCGCTTGAGGAAAGACAGAGTGTAGTCACTAG[G>T]GGTGGACACTTTCTGCTTCTTCATCTGCACTTGCGACTGTGCCGTGAGTTGCAGCTTGAT-3'
Protein context (NP_001357188.2, residues 585-605): VQMKKQKVST[Pro595Thr]SDYTLSFLKR